The following is an entry in ClinVar:

NM_000059.4(BRCA2):c.3351del (p.Ile1117_Leu1118insTer)

Gene: BRCA2 (BRCA2 DNA repair associated; plus strand). Cytogenetic location: 13q13.1.
Variant type: Deletion.
Coding change: c.3351del on transcript NM_000059.4 (MANE Select); coding-DNA position 3351, one base deleted (A; older notation c.3351delA).
Protein change: p.Ile1117_Leu1118insTer.
Molecular consequence: frameshift variant.
Genome position (GRCh38, 1-based): chr13:32,337,706, A deleted. VCF-style (leftmost placement, unchanged base first): chr13-32337705-TA-T. GRCh37 (hg19) VCF-style: chr13-32911842-TA-T.
Other names: c.3351delA (NM_000059.3).
Identifiers: ClinVar variation 141015 (VCV000141015.6), dbSNP rs587781436, ClinGen allele CA017828.

ClinVar aggregate classification (germline): Pathogenic. Review status: reviewed by expert panel (3 of 4 stars). 2 submissions from 2 submitters: Pathogenic (1). 1 of the submissions does not count toward it. Last evaluated 2016-09-08.

Conditions:
Hereditary cancer-predisposing syndrome. Also called: Neoplastic Syndromes, Hereditary; Hereditary Cancer Syndrome; Hereditary neoplastic syndrome; Tumor predisposition. Identifiers: Orphanet 140162, MedGen C0027672, MeSH D009386, MONDO:0015356.
Breast-ovarian cancer, familial, susceptibility to, 2 (BROVCA2). Also called: BRCA2 Hereditary Breast and Ovarian Cancer. Identifiers: Orphanet 145, MedGen C2675520, MONDO:0012933, OMIM 612555. Disease mechanism: loss of function.

Allele frequency attached by ClinVar (database versions not stated): TOPMed below 0.00001.

Submissions (2):

Evidence-based Network for the Interpretation of Germline Mutant Alleles (ENIGMA)
Classification: Pathogenic for Breast-ovarian cancer, familial, susceptibility to, 2. Last evaluated: 2016-09-08. Review status: reviewed by expert panel. Criteria: ENIGMA BRCA1/2 Classification Criteria (2015). Collection method: curation. Allele origin: germline.
Comment: Variant allele predicted to encode a truncated non-functional protein.

Ambry Genetics
Classification: Pathogenic for Hereditary cancer-predisposing syndrome. Last evaluated: 2013-11-26. Review status: criteria provided, single submitter. Criteria: Ambry Autosomal Dominant and X-Linked criteria (10/2015). Collection method: clinical testing. Allele origin: germline. Observed: 1 variant allele. Not counted in ClinVar's aggregate classification.
Comment: Ã¢â‚¬â€¹The c.3351delA pathogenic mutation (also known as 3579delA), located in coding exon 10 of the BRCA2 gene, results from a deletion of one nucleotide at position 3351, causing a translational frameshift with a predicted alternate stop codon. Since frameshifts are typically deleterious in nature, this alteration is interpreted as a disease-causing mutation (ACMG Recommendations for Standards for Interpretation and Reporting of Sequence Variations. Revision 2007. Genet Med. 2008;10:294).